The following is an entry in ClinVar:

ClinVar aggregate classification (germline): Uncertain significance (1 of 4 stars; one submission).

Conditions:
Inborn genetic diseases. Identifiers: MedGen C0950123, MeSH D030342.

Submission:

Ambry Genetics
Classification: Uncertain significance for Inborn genetic diseases. Last evaluated: 2022-01-11. Review status: criteria provided, single submitter. Criteria: Ambry Variant Classification Scheme 2023. Collection method: clinical testing. Allele origin: germline.
Comment: The c.1594_1599dupCGGCAG variant (also known as p.R532_Q533dup), located in coding exon 14 of the PLEKHG5 gene, results from an in-frame duplication of CGGCAG at nucleotide positions 1594 to 1599. This results in the duplication of 2 extra residues (RQ) between codons 532 and 533. This amino acid region is highly conserved in available vertebrate species. In addition, this alteration is predicted to be deleterious by in silico analysis (Choi Y et al. PLoS ONE. 2012; 7(10):e46688). Since supporting evidence is limited at this time, the clinical significance of this alteration remains unclear.

NM_020631.6(PLEKHG5):c.1588CGGCAG[3] (p.Gln533_Glu534insArgGln)

Gene: PLEKHG5 (pleckstrin homology and RhoGEF domain containing G5; minus strand). Cytogenetic location: 1p36.31.
Variant type: Microsatellite.
Coding change: c.1588CGGCAG[3] on transcript NM_020631.6 (MANE Select); three copies in a row of the 6-base unit CGGCAG starting at c.1588; the reference has two copies in a row; one copy, 6 bases duplicated.
Protein change: p.Gln533_Glu534insArgGln.
Molecular consequence: inframe insertion. On other transcripts: inframe indel (5).
Genome position (GRCh38, 1-based): chr1:6,470,587-6,470,592, CTGCCG duplicated on the plus strand (CGGCAG on the coding strand, the reverse complement: PLEKHG5 is on the minus strand); duplicating any 6 consecutive bases within chr1:6,470,587-6,470,599 gives the same sequence; the position shown is the placement nearest the transcript's 3' end. VCF-style (leftmost placement, unchanged base first): chr1-6470586-C-CCTGCCG. GRCh37 (hg19) VCF-style: chr1-6530646-C-CCTGCCG.
Other names: c.1594_1599dupCGGCAG (NM_020631.3); c.1699CGGCAG[3], p.Gln570_Glu571insArgGln (NM_001042663.3, NM_001265592.2); c.1587_1592GCGGCA[3], p.Gln533_Glu534insArgGln (NM_001042664.2, NM_001042665.2, NM_001265594.3); c.1794_1799GCGGCA[3], p.Gln602_Glu603insArgGln (NM_001265593.2); c.1588CGGCAG[3], p.Gln533_Glu534insArgGln (NM_198681.4).
Identifiers: ClinVar variation 1775978 (VCV001775978.2), dbSNP rs2523150778, ClinGen allele CA2580611389.
Genomic context (GRCh38, chr1:6,470,586, plus strand): 5'-TGCTTTCCACCACCTCGTAGGCGTCGATGCGGCTCACCACGGCCGCCAGCCGCTGCCGCT[C>CCTGCCG]CTGCCGCTGCCGCATGCACGCGTTCACGTGGTGGATGAAGCGCTCCACGGAGCCGATCTA-3'